The following is an entry in ClinVar:

ClinVar aggregate classification (germline): Uncertain significance (1 of 4 stars; one submission).

Conditions:
Developmental and epileptic encephalopathy, 36 (DEE36). Also called: Congenital disorder of glycosylation, type Is; Epileptic encephalopathy, early infantile, 36; ALG13-CDG. Identifiers: Orphanet 324422, MedGen C4317295, MONDO:0010472, OMIM 300884.

Submission:

Labcorp Genetics (formerly Invitae), Labcorp
Classification: Uncertain significance for Developmental and epileptic encephalopathy, 36. Last evaluated: 2020-03-23. Review status: criteria provided, single submitter. Criteria: Invitae Variant Classification Sherloc (09022015). Collection method: clinical testing. Allele origin: germline.
Comment: In summary, the available evidence is currently insufficient to determine the role of this variant in disease. Therefore, it has been classified as a Variant of Uncertain Significance. Algorithms developed to predict the effect of missense changes on protein structure and function (SIFT, PolyPhen-2, Align-GVGD) all suggest that this variant is likely to be tolerated, but these predictions have not been confirmed by published functional studies and their clinical significance is uncertain. This variant has not been reported in the literature in individuals with ALG13-related conditions. This variant is not present in population databases (ExAC no frequency). This sequence change replaces glutamic acid with lysine at codon 736 of the ALG13 protein (p.Glu736Lys). The glutamic acid residue is highly conserved and there is a small physicochemical difference between glutamic acid and lysine.

NM_001099922.3(ALG13):c.2206G>A (p.Glu736Lys)

Gene: ALG13 (ALG13 UDP-N-acetylglucosaminyltransferase subunit; plus strand). Cytogenetic location: Xq23.
Variant type: single nucleotide variant.
Coding change: c.2206G>A on transcript NM_001099922.3 (MANE Select); coding-DNA position 2206, G replaced by A.
Protein change: p.Glu736Lys; replaces glutamic acid 736 with lysine.
Molecular consequence: missense variant. On other transcripts: non-coding transcript variant (1).
Genome position (GRCh38, 1-based): chrX:111,727,729, G>A. VCF-style: chrX-111727729-G-A. GRCh37 (hg19) VCF-style: chrX-110970957-G-A.
Other names: c.1894G>A, p.Glu632Lys (NM_001257230.2, NM_001257234.2, NM_001257237.2); c.1972G>A, p.Glu658Lys (NM_001257231.2); c.2206G>A, p.Glu736Lys (NM_001324292.2); c.1720G>A, p.Glu574Lys (NM_001324293.1); short protein forms E574K, E632K, E658K, E736K.
Identifiers: ClinVar variation 1058704 (VCV001058704.9), dbSNP rs2148229477, ClinGen allele CA414253515.